The following is an entry in ClinVar:

ClinVar aggregate classification (germline): Conflicting classifications of pathogenicity. Review status: criteria provided, conflicting classifications (1 of 4 stars). 4 submissions from 4 submitters: Uncertain significance (2); Likely benign (1). 1 of the submissions does not count toward it. Last evaluated 2024-05-21.

Conditions:
INPP5E-related disorder. Also called: INPP5E-related condition.
MORM syndrome (MORMS). Identifiers: Orphanet 75858, MedGen C1857802, MONDO:0012423, OMIM 610156.
Joubert syndrome 1 (JBTS1). Also called: CEREBELLOPARENCHYMAL DISORDER IV; Cerebellooculorenal syndrome 1. Identifiers: MedGen C4551568, MONDO:0008944, OMIM 213300.
Joubert syndrome. Also called: Familial aplasia of the vermis; JOUBERT-BOLTSHAUSER SYNDROME. Identifiers: Orphanet 475, MedGen C5979921, MONDO:0018772.

Submissions (4):

Fulgent Genetics
Classification: Uncertain significance for Joubert syndrome 1; MORM syndrome. Last evaluated: 2024-05-21. Review status: criteria provided, single submitter. Criteria: ACMG Guidelines, 2015. Collection method: clinical testing. Allele origin: germline.

Blueprint Genetics
Classification: Likely benign. Last evaluated: 2024-01-19. Review status: criteria provided, single submitter. Criteria: ACMG Guidelines, 2015. Collection method: clinical testing. Allele origin: germline.

Labcorp Genetics (formerly Invitae), Labcorp
Classification: Uncertain significance for Joubert syndrome. Last evaluated: 2021-08-30. Review status: criteria provided, single submitter. Criteria: Invitae Variant Classification Sherloc (09022015). Collection method: clinical testing. Allele origin: germline.
Comment: This sequence change replaces proline with leucine at codon 32 of the INPP5E protein (p.Pro32Leu). The proline residue is weakly conserved and there is a moderate physicochemical difference between proline and leucine. The frequency data for this variant in the population databases is considered unreliable, as metrics indicate insufficient coverage at this position in the ExAC database. This variant has not been reported in the literature in individuals affected with INPP5E-related conditions. Algorithms developed to predict the effect of missense changes on protein structure and function output the following: SIFT: "Tolerated"; PolyPhen-2: "Benign"; Align-GVGD: "Class C0". The leucine amino acid residue is found in multiple mammalian species, which suggests that this missense change does not adversely affect protein function. In summary, the available evidence is currently insufficient to determine the role of this variant in disease. Therefore, it has been classified as a Variant of Uncertain Significance.

PreventionGenetics, part of Exact Sciences
Classification: Uncertain significance for INPP5E-related condition. Last evaluated: 2024-09-05. Review status: no assertion criteria provided. Collection method: clinical testing. Allele origin: germline. Not counted in ClinVar's aggregate classification.
Comment: The INPP5E c.95C>T variant is predicted to result in the amino acid substitution p.Pro32Leu. To our knowledge, this variant has not been reported in the literature. This variant is reported in 0.0095% of alleles in individuals of European (Non-Finnish) descent in gnomAD. At this time, the clinical significance of this variant is uncertain due to the absence of conclusive functional and genetic evidence.

NM_019892.6(INPP5E):c.95C>T (p.Pro32Leu)

Gene: INPP5E (inositol polyphosphate-5-phosphatase E; minus strand). Cytogenetic location: 9q34.3.
Variant type: single nucleotide variant.
Coding change: c.95C>T on transcript NM_019892.6 (MANE Select); coding-DNA position 95, C replaced by T.
Protein change: p.Pro32Leu; replaces proline 32 with leucine.
Molecular consequence: missense variant.
Genome position (GRCh38, 1-based): chr9:136,439,325, G>A on the plus strand (C>T on the coding strand, the complement: INPP5E is on the minus strand). VCF-style: chr9-136439325-G-A. GRCh37 (hg19) VCF-style: chr9-139333777-G-A.
Other names: c.95C>T (NM_019892.5); c.95C>T, p.Pro32Leu (NM_001318502.2); short protein forms P32L.
Identifiers: ClinVar variation 1035544 (VCV001035544.9), dbSNP rs1018506310, ClinGen allele CA375571476.